The following is an entry in ClinVar:

NM_002471.4(MYH6):c.1408G>C (p.Asp470His)

Gene: MYH6 (myosin heavy chain 6; minus strand). Cytogenetic location: 14q11.2.
Variant type: single nucleotide variant.
Coding change: c.1408G>C on transcript NM_002471.4 (MANE Select); coding-DNA position 1408, G replaced by C.
Protein change: p.Asp470His; replaces aspartic acid 470 with histidine.
Molecular consequence: missense variant.
Genome position (GRCh38, 1-based): chr14:23,400,711, C>G on the plus strand (G>C on the coding strand, the complement: MYH6 is on the minus strand). VCF-style: chr14-23400711-C-G. GRCh37 (hg19) VCF-style: chr14-23869920-C-G.
Other names: c.1408G>C (NM_002471.3); short protein forms D470H.
Identifiers: ClinVar variation 807081 (VCV000807081.46), dbSNP rs777651128, ClinGen allele CA389023291.
Genomic context (GRCh38, chr14:23,400,711, plus strand): 5'-TGTTGAATGTAGGAGCAAGCGAGTGATTGTTCTCCCACTCCCAGGGGTCCCAACTCACGT[C>G]GAAGATCTCGAAGCCAGCGATGTCCAGGACTCCTATGAAGTACTGGCGTGGCTGCTTGGT-3'
Protein context (NP_002462.2, residues 460-480): VLDIAGFEIF[Asp470His]FNSFEQLCIN

ClinVar aggregate classification (germline): Uncertain significance. Review status: criteria provided, multiple submitters, no conflicts (2 of 4 stars). 3 submissions from 3 submitters: Uncertain significance (3). Last evaluated 2025-07-25.

Conditions:
Cardiovascular phenotype. Identifiers: MedGen CN230736.
Hypertrophic cardiomyopathy 14. Identifiers: MedGen C2750467, MONDO:0013197, OMIM 613251.

gnomAD v4.1: 1 of 1,614,226 alleles (0.000062%); highest among the groups gnomAD compares: Admixed American, 0.0017%; no homozygotes.

Submissions (3):

Ambry Genetics
Classification: Uncertain significance for Cardiovascular phenotype. Last evaluated: 2025-07-25. Review status: criteria provided, single submitter. Criteria: Ambry Variant Classification Scheme 2023. Collection method: clinical testing. Allele origin: germline.
Comment: The p.D470H variant (also known as c.1408G>C), located in coding exon 11 of the MYH6 gene, results from a G to C substitution at nucleotide position 1408. The aspartic acid at codon 470 is replaced by histidine, an amino acid with similar properties. This amino acid position is highly conserved in available vertebrate species. In addition, this alteration is predicted to be deleterious by in silico analysis. Based on the available evidence, the clinical significance of this variant remains unclear.

Labcorp Genetics (formerly Invitae), Labcorp
Classification: Uncertain significance for Hypertrophic cardiomyopathy 14. Last evaluated: 2024-01-21. Review status: criteria provided, single submitter. Criteria: Invitae Variant Classification Sherloc (09022015). Collection method: clinical testing. Allele origin: germline.
Comment: This sequence change replaces aspartic acid, which is acidic and polar, with histidine, which is basic and polar, at codon 470 of the MYH6 protein (p.Asp470His). This variant is not present in population databases (gnomAD no frequency). This variant has not been reported in the literature in individuals affected with MYH6-related conditions. ClinVar contains an entry for this variant (Variation ID: 807081). An algorithm developed to predict the effect of missense changes on protein structure and function (PolyPhen-2) suggests that this variant is likely to be disruptive. In summary, the available evidence is currently insufficient to determine the role of this variant in disease. Therefore, it has been classified as a Variant of Uncertain Significance.

CeGaT Center for Human Genetics Tuebingen
Classification: Uncertain significance. Last evaluated: 2019-04-01. Review status: criteria provided, single submitter. Criteria: CeGaT Center For Human Genetics Tuebingen Variant Classification Criteria Version 2. Collection method: clinical testing. Allele origin: germline. Affected: yes. Observed: 1 variant allele.